The following is an entry in ClinVar:

NM_004104.5(FASN):c.5270T>C (p.Val1757Ala)

Gene: FASN (fatty acid synthase; minus strand). Cytogenetic location: 17q25.3.
Variant type: single nucleotide variant.
Coding change: c.5270T>C on transcript NM_004104.5 (MANE Select); coding-DNA position 5270, T replaced by C.
Protein change: p.Val1757Ala; replaces valine 1757 with alanine.
Molecular consequence: missense variant.
Genome position (GRCh38, 1-based): chr17:82,083,588, A>G on the plus strand (T>C on the coding strand, the complement: FASN is on the minus strand). VCF-style: chr17-82083588-A-G. GRCh37 (hg19) VCF-style: chr17-80041464-A-G.
Other names: c.5270T>C (NM_004104.4); short protein forms V1757A.
Identifiers: ClinVar variation 1910396 (VCV001910396.6), dbSNP rs1449764023, ClinGen allele CA401539687.

ClinVar aggregate classification (germline): Uncertain significance. Review status: criteria provided, multiple submitters, no conflicts (2 of 4 stars). 2 submissions from 2 submitters: Uncertain significance (2). Last evaluated 2025-10-01.

Conditions:
Epileptic encephalopathy. Identifiers: MedGen C0543888, HP:0200134.

Allele frequency attached by ClinVar (database versions not stated): gnomAD exomes below 0.00001; gnomAD 0.00001; TOPMed 0.00001.
gnomAD v4.1: 2 of 1,612,392 alleles (0.00012%); highest among the groups gnomAD compares: Non-Finnish European, 0.00017%; no homozygotes.

Submissions (2):

Ambry Genetics
Classification: Uncertain significance. Last evaluated: 2025-10-01. Review status: criteria provided, single submitter. Criteria: Ambry Variant Classification Scheme 2023. Collection method: clinical testing. Allele origin: germline.

Labcorp Genetics (formerly Invitae), Labcorp
Classification: Uncertain significance for Epileptic encephalopathy. Last evaluated: 2025-01-27. Review status: criteria provided, single submitter. Criteria: Invitae Variant Classification Sherloc (09022015). Collection method: clinical testing. Allele origin: germline.
Comment: This sequence change replaces valine, which is neutral and non-polar, with alanine, which is neutral and non-polar, at codon 1757 of the FASN protein (p.Val1757Ala). This variant is present in population databases (no rsID available, gnomAD 0.002%). This variant has not been reported in the literature in individuals affected with FASN-related conditions. ClinVar contains an entry for this variant (Variation ID: 1910396). An algorithm developed to predict the effect of missense changes on protein structure and function (PolyPhen-2) suggests that this variant is likely to be tolerated. In summary, the available evidence is currently insufficient to determine the role of this variant in disease. Therefore, it has been classified as a Variant of Uncertain Significance.